The following is an entry in ClinVar:

ClinVar aggregate classification (germline): Pathogenic (1 of 4 stars; one submission).

Conditions:
Inborn genetic diseases. Identifiers: MedGen C0950123, MeSH D030342.

Submission:

Ambry Genetics
Classification: Pathogenic for Inborn genetic diseases. Last evaluated: 2026-02-18. Review status: criteria provided, single submitter. Criteria: Ambry Variant Classification Scheme 2023. Collection method: clinical testing. Allele origin: germline.
Comment: The c.2902C>T (p.Q968*) alteration, located in exon 22 (coding exon 22) of the NBEA gene, consists of a C to T substitution at nucleotide position 2902. This changes the amino acid from a glutamine (Q) to a stop codon at amino acid position 968. This variant is expected to result in loss of function by premature protein truncation or nonsense-mediated mRNA decay. This variant was not reported in population-based cohorts in the Genome Aggregation Database (gnomAD). Based on the available evidence, this alteration is classified as pathogenic.

NM_001385012.1(NBEA):c.2902C>T (p.Gln968Ter)

Gene: NBEA (neurobeachin; plus strand). Cytogenetic location: 13q13.3.
Variant type: single nucleotide variant.
Coding change: c.2902C>T on transcript NM_001385012.1 (MANE Select); coding-DNA position 2902, C replaced by T.
Protein change: p.Gln968Ter; replaces glutamine 968 with a stop codon.
Molecular consequence: nonsense.
Genome position (GRCh38, 1-based): chr13:35,159,073, C>T. VCF-style: chr13-35159073-C-T. GRCh37 (hg19) VCF-style: chr13-35733210-C-T.
Other names: c.2902C>T, p.Gln968Ter (NM_001379245.1, NM_015678.5); short protein forms Q968*.
Identifiers: ClinVar variation 4839824 (VCV004839824.1).
Genomic context (GRCh38, chr13:35,159,073, plus strand): 5'-AAGGTCACTTATGAAGCTCATAAGGAATACCTAGCCAAAATGTATGAGGAATATCAAAGA[C>T]AAGAGGAGGAAAACATTAAAAAGGGAAAGAAAGGGAATGTGAGCACCATCTCTGGTCTTT-3'